The following is an entry in ClinVar:

ClinVar aggregate classification (germline): Likely pathogenic. Review status: criteria provided, multiple submitters, no conflicts (2 of 4 stars). 2 submissions from 2 submitters: Likely pathogenic (2). Last evaluated 2023-06-28.

Conditions:
Hermansky-Pudlak syndrome 4 (HPS4). Identifiers: Orphanet 231500, Orphanet 79430, MedGen C3484357, MONDO:0013556, OMIM 614073.

Allele frequency attached by ClinVar (database versions not stated): gnomAD exomes below 0.00001.

Submissions (2):

Baylor Genetics
Classification: Likely pathogenic for Hermansky-Pudlak syndrome 4. Last evaluated: 2023-06-28. Review status: criteria provided, single submitter. Criteria: ACMG Guidelines, 2015. Collection method: clinical testing. Allele origin: unknown.

Labcorp Genetics (formerly Invitae), Labcorp
Classification: Likely pathogenic. Last evaluated: 2023-04-10. Review status: criteria provided, single submitter. Criteria: Invitae Variant Classification Sherloc (09022015). Collection method: clinical testing. Allele origin: germline.
Comment: In summary, the currently available evidence indicates that the variant is pathogenic, but additional data are needed to prove that conclusively. Therefore, this variant has been classified as Likely Pathogenic. Algorithms developed to predict the effect of sequence changes on RNA splicing suggest that this variant may disrupt the consensus splice site. This variant has not been reported in the literature in individuals affected with HPS4-related conditions. This variant is not present in population databases (gnomAD no frequency). This sequence change affects an acceptor splice site in intron 3 of the HPS4 gene. It is expected to disrupt RNA splicing. Variants that disrupt the donor or acceptor splice site typically lead to a loss of protein function (PMID: 16199547), and loss-of-function variants in HPS4 are known to be pathogenic (PMID: 12664304).

Literature cited by the submitters: PubMed 16199547 (cited by Labcorp Genetics (formerly Invitae), Labcorp); PubMed 12664304 (cited by Labcorp Genetics (formerly Invitae), Labcorp).

NM_022081.6(HPS4):c.133-2A>G

Gene: HPS4 (HPS4 biogenesis of lysosomal organelles complex 3 subunit 2; minus strand). Cytogenetic location: 22q12.1.
Variant type: single nucleotide variant.
Coding change: c.133-2A>G on transcript NM_022081.6 (MANE Select); the canonical splice acceptor site of the intron before coding-DNA position 133, A replaced by G.
Molecular consequence: splice acceptor variant.
Genome position (GRCh38, 1-based): chr22:26,477,138, T>C on the plus strand (A>G on the coding strand, the complement: HPS4 is on the minus strand). VCF-style: chr22-26477138-T-C. GRCh37 (hg19) VCF-style: chr22-26873104-T-C.
Other names: c.133-2A>G (NM_001349896.1, NM_001349901.1, NM_001349899.2 and 7 more transcripts); c.118-2A>G (NM_152841.2).
Identifiers: ClinVar variation 2676122 (VCV002676122.4), dbSNP rs2518592712, ClinGen allele CA411032913.